The following is an entry in ClinVar:

ClinVar aggregate classification (germline): Pathogenic. Review status: criteria provided, multiple submitters, no conflicts (2 of 4 stars). 2 submissions from 2 submitters: Pathogenic (2). Last evaluated 2026-01-02.

Conditions:
VPS13A-related neurodegenerative disease. Also called: LEVINE-CRITCHLEY SYNDROME; Choreoacanthocytosis; Chorea-acanthocytosis; Choreaacanthocytosis; VPS13A Disease; ACANTHOCYTOSIS WITH NEUROLOGIC DISORDER. Identifiers: Orphanet 2388, MedGen C0393576, MONDO:0008695, OMIM 200150.

Allele frequency attached by ClinVar (database versions not stated): gnomAD exomes below 0.00001; TOPMed 0.00001.

Submissions (2):

Myriad Genetics, Inc.
Classification: Pathogenic for VPS13A-related neurodegenerative disease. Last evaluated: 2026-01-02. Review status: criteria provided, single submitter. Criteria: Myriad Autosomal Dominant, Autosomal Recessive and X-Linked Classification Criteria (2023). Collection method: clinical testing. Allele origin: unknown.
Comment: NM_033305.2(VPS13A):c.2765dupA(Y922*) is a nonsense variant classified as pathogenic in the context of VPS13A disease. Y922* has been observed in a case with relevant disease (PMID: 37670483). Relevant functional assessments of this variant are not available in the literature. Y922* has not been observed in referenced population frequency databases. In summary, NM_033305.2(VPS13A):c.2765dupA(Y922*) is a nonsense variant in a gene where loss of function is a known mechanism of disease, is predicted to disrupt protein function, and has been observed more frequently in cases with the relevant disease than in healthy populations. Please note: this variant was assessed in the context of healthy population screening.

Labcorp Genetics (formerly Invitae), Labcorp
Classification: Pathogenic. Last evaluated: 2025-04-14. Review status: criteria provided, single submitter. Criteria: Invitae Variant Classification Sherloc (09022015). Collection method: clinical testing. Allele origin: germline.
Comment: This sequence change creates a premature translational stop signal (p.Tyr922*) in the VPS13A gene. It is expected to result in an absent or disrupted protein product. Loss-of-function variants in VPS13A are known to be pathogenic (PMID: 12404112, 21598378). This variant is not present in population databases (gnomAD no frequency). This variant has not been reported in the literature in individuals affected with VPS13A-related conditions. ClinVar contains an entry for this variant (Variation ID: 846229). For these reasons, this variant has been classified as Pathogenic.

Literature cited by the submitters: PubMed 37670483 (cited by Myriad Genetics, Inc.); PubMed 12404112 (cited by Labcorp Genetics (formerly Invitae), Labcorp); PubMed 21598378 (cited by Labcorp Genetics (formerly Invitae), Labcorp).

NM_033305.3(VPS13A):c.2765dup (p.Tyr922Ter)

Gene: VPS13A (vacuolar protein sorting 13 homolog A; plus strand). Cytogenetic location: 9q21.2.
Variant type: Duplication.
Coding change: c.2765dup on transcript NM_033305.3 (MANE Select); coding-DNA position 2765, one base duplicated (A; older notation c.2765dupA).
Protein change: p.Tyr922Ter; replaces tyrosine 922 with a stop codon.
Molecular consequence: nonsense.
Genome position (GRCh38, 1-based): chr9:77,276,162, A duplicated. VCF-style (leftmost placement, unchanged base first): chr9-77276161-T-TA. GRCh37 (hg19) VCF-style: chr9-79891077-T-TA.
Other names: c.2765dup, p.Tyr922Ter (NM_001018037.2, NM_001018038.3, NM_015186.4); short protein forms Y922*.
Identifiers: ClinVar variation 846229 (VCV000846229.8), dbSNP rs762247401, ClinGen allele CA194373739.